The following is an entry in ClinVar:

ClinVar aggregate classification (germline): Uncertain significance (1 of 4 stars; one submission).

Conditions:
Familial adenomatous polyposis 1 (FAP1). Also called: POLYPOSIS, ADENOMATOUS INTESTINAL; FAMILIAL ADENOMATOUS POLYPOSIS 1, ATTENUATED. Identifiers: MedGen C2713442, MONDO:0021056, OMIM 175100. Disease mechanism: loss of function.

Submission:

Labcorp Genetics (formerly Invitae), Labcorp
Classification: Uncertain significance for Familial adenomatous polyposis 1. Last evaluated: 2023-12-27. Review status: criteria provided, single submitter. Criteria: Invitae Variant Classification Sherloc (09022015). Collection method: clinical testing. Allele origin: unknown.
Comment: This variant results in a copy number gain of the genomic region encompassing exon(s) 2-5 of the APC gene. This region includes the initiator codon of the gene. This copy number gain extends beyond the assayed region for this gene and therefore may encompass additional genes. As the precise location of this event is unknown, it may be in tandem or it may be located elsewhere in the genome. A similar copy number variant has been observed in individual(s) with clinical features of familial adenomatous polyposis (PMID: 18406876, 23561487; Invitae). In summary, the available evidence is currently insufficient to determine the role of this variant in disease. Therefore, it has been classified as a Variant of Uncertain Significance.

Literature cited by the submitters: PubMed 18406876; PubMed 23561487.

NC_000005.9:g.(?_112090588)_(112112916_?)dup

Gene: APC (APC regulator of Wnt signaling pathway; plus strand). Cytogenetic location: 5q22.2.
Variant type: Duplication.
Identifiers: ClinVar variation 3246381 (VCV003246381.1).